The following is an entry in ClinVar:

NM_005908.4(MANBA):c.2136G>A (p.Ser712=)

Gene: MANBA (mannosidase beta; minus strand). Cytogenetic location: 4q24.
Variant type: single nucleotide variant.
Coding change: c.2136G>A on transcript NM_005908.4 (MANE Select); coding-DNA position 2136, G replaced by A.
Protein change: p.Ser712=; no amino-acid change (serine 712 retained).
Molecular consequence: synonymous variant.
Genome position (GRCh38, 1-based): chr4:102,635,886, C>T on the plus strand (G>A on the coding strand, the complement: MANBA is on the minus strand). VCF-style: chr4-102635886-C-T. GRCh37 (hg19) VCF-style: chr4-103557043-C-T.
Identifiers: ClinVar variation 786074 (VCV000786074.17), dbSNP rs149687835, ClinGen allele CA3026708.

ClinVar aggregate classification (germline): Benign/Likely benign. Review status: criteria provided, multiple submitters, no conflicts (2 of 4 stars). 7 submissions from 7 submitters: Benign (1); Likely benign (4). 2 of the submissions do not count toward it. Last evaluated 2026-05-11.

Conditions:
MANBA-related disorder. Also called: MANBA-related condition.
Beta-D-mannosidosis (MANSB). Also called: LYSOSOMAL BETA-MANNOSIDASE DEFICIENCY; MANNOSIDOSIS, BETA A, LYSOSOMAL; BETA-MANNOSIDASE DEFICIENCY; Beta-Mannosidosis. Identifiers: Orphanet 118, MedGen C4048196, MONDO:0009562, OMIM 248510.

Allele frequency attached by ClinVar (database versions not stated): gnomAD exomes 0.00034 and 0.00094; ExAC 0.00107; gnomAD 0.00228 and 0.00245; TOPMed 0.00269; ESP Exome Variant Server 0.00277; 1000 Genomes Project 0.00339; 1000 Genomes Project 30x 0.00359.
gnomAD v4.1: 875 of 1,612,480 alleles (0.054%); highest among the groups gnomAD compares: African/African-American, 0.67%; 5 homozygotes.

Submissions (15):

PreventionGenetics, part of Exact Sciences
Classification: Likely benign for MANBA-related condition. Last evaluated: 2026-05-11. Review status: criteria provided, single submitter. Criteria: ACMG Guidelines, 2015. Collection method: clinical testing. Allele origin: germline.
Comment: This variant is classified as likely benign based on ACMG/AMP sequence variant interpretation guidelines (Richards et al. 2015 PMID: 25741868, with internal and published modifications).

Labcorp Genetics (formerly Invitae), Labcorp
Classification: Benign for Beta-D-mannosidosis. Last evaluated: 2026-01-28. Review status: criteria provided, single submitter. Criteria: Invitae Variant Classification Sherloc (09022015). Collection method: clinical testing. Allele origin: germline.

Blueprint Genetics
Classification: Likely benign. Last evaluated: 2024-11-25. Review status: criteria provided, single submitter. Criteria: ACMG Guidelines, 2015. Collection method: clinical testing. Allele origin: germline.

Illumina Laboratory Services, Illumina
Classification: Likely benign for Beta-D-mannosidosis. Last evaluated: 2018-01-13. Review status: criteria provided, single submitter. Criteria: ICSL Variant Classification Criteria 13 December 2019. Collection method: clinical testing. Allele origin: germline.
Comment: This variant was observed in the ICSL laboratory as part of a predisposition screen in an ostensibly healthy population. It had not been previously curated by ICSL or reported in the Human Gene Mutation Database (HGMD: prior to June 1st, 2018), and was therefore a candidate for classification through an automated scoring system. Utilizing variant allele frequency, disease prevalence and penetrance estimates, and inheritance mode, an automated score was calculated to assess if this variant is too frequent to cause the disease. Based on the score and internal cut-off values, a variant classified as likely benign is not then subjected to further curation. The score for this variant resulted in a classification of likely benign for this disease.

Breakthrough Genomics
Classification: Likely benign. Review status: criteria provided, single submitter. Criteria: ACMG Guidelines, 2015. Collection method: not provided. Allele origin: germline. Inheritance: Autosomal recessive inheritance. Affected: yes.

Clinical Genetics DNA and cytogenetics Diagnostics Lab, Erasmus MC, Erasmus Medical Center
Classification: Likely benign. Review status: no assertion criteria provided. Collection method: clinical testing. Allele origin: germline. Affected: yes. Study: VKGL Data-share Consensus. Not counted in ClinVar's aggregate classification.

Dr. Peter K. Rogan Lab, Western University
No classification provided (evidence only). Condition: Malignant tumor of urinary bladder. Review status: no classification provided. Collection method: in vitro. Allele origin: not applicable. Functional consequence: skipped exon. Not counted in ClinVar's aggregate classification.

Dr. Peter K. Rogan Lab, Western University
No classification provided (evidence only). Condition: Colorectal cancer. Review status: no classification provided. Collection method: in vitro. Allele origin: not applicable. Functional consequence: skipped exon. Not counted in ClinVar's aggregate classification.

Dr. Peter K. Rogan Lab, Western University
No classification provided (evidence only). Condition: Thyroid cancer, nonmedullary, 1. Review status: no classification provided. Collection method: in vitro. Allele origin: not applicable. Functional consequence: skipped exon. Not counted in ClinVar's aggregate classification.

Dr. Peter K. Rogan Lab, Western University
No classification provided (evidence only). Condition: Uterine corpus endometrial carcinoma. Review status: no classification provided. Collection method: in vitro. Allele origin: not applicable. Functional consequence: skipped exon. Not counted in ClinVar's aggregate classification.

Dr. Peter K. Rogan Lab, Western University
No classification provided (evidence only). Condition: Uterine corpus endometrial carcinoma. Review status: no classification provided. Collection method: in vitro. Allele origin: not applicable. Functional consequence: skipped exon, retained intron. Not counted in ClinVar's aggregate classification.

Dr. Peter K. Rogan Lab, Western University
No classification provided (evidence only). Condition: Uterine corpus endometrial carcinoma. Review status: no classification provided. Collection method: in vitro. Allele origin: not applicable. Functional consequence: skipped exon. Not counted in ClinVar's aggregate classification.

Dr. Peter K. Rogan Lab, Western University
No classification provided (evidence only). Condition: Sarcoma. Review status: no classification provided. Collection method: in vitro. Allele origin: not applicable. Functional consequence: skipped exon. Not counted in ClinVar's aggregate classification.

Dr. Peter K. Rogan Lab, Western University
No classification provided (evidence only). Condition: Nonpapillary renal cell carcinoma. Review status: no classification provided. Collection method: in vitro. Allele origin: not applicable. Functional consequence: skipped exon. Not counted in ClinVar's aggregate classification.

Genome Diagnostics Laboratory, University Medical Center Utrecht
Classification: Likely benign. Review status: no assertion criteria provided. Collection method: clinical testing. Allele origin: germline. Affected: yes. Study: VKGL Data-share Consensus. Not counted in ClinVar's aggregate classification.